The following is an entry in ClinVar:

NM_000548.5(TSC2):c.3706dup (p.Met1236fs)

Gene: TSC2 (TSC complex subunit 2; plus strand). Cytogenetic location: 16p13.3.
Variant type: Duplication.
Coding change: c.3706dup on transcript NM_000548.5 (MANE Select); coding-DNA position 3706, one base duplicated (A; older notation c.3706dupA).
Protein change: p.Met1236fs; shifts the reading frame from methionine 1236.
Molecular consequence: frameshift variant.
Genome position (GRCh38, 1-based): chr16:2,081,690, A duplicated. VCF-style (leftmost placement, unchanged base first): chr16-2081689-C-CA. GRCh37 (hg19) VCF-style: chr16-2131690-C-CA.
Other names: c.3574dup, p.Met1192fs (NM_001077183.3, NM_001370404.1); c.3706dup, p.Met1236fs (NM_001114382.3); c.3466dup, p.Met1156fs (NM_001318827.2); c.3430dup, p.Met1144fs (NM_001318829.2); c.2974dup, p.Met992fs (NM_001318831.2); c.3607dup, p.Met1203fs (NM_001318832.2); c.3577dup, p.Met1193fs (NM_001363528.2, NM_001370405.1, NM_021055.3); short protein forms M1144fs, M1156fs, M1192fs, M1203fs, M992fs, M1193fs, M1236fs.
Identifiers: ClinVar variation 1417821 (VCV001417821.6), dbSNP rs2151482554, ClinGen allele CA2573151535.

ClinVar aggregate classification (germline): Pathogenic (1 of 4 stars; one submission).

Conditions:
Tuberous sclerosis 2 (TSC2). Identifiers: Orphanet 805, MedGen C1860707, MONDO:0013199, OMIM 613254.

Submission:

Labcorp Genetics (formerly Invitae), Labcorp
Classification: Pathogenic for Tuberous sclerosis 2. Last evaluated: 2022-02-03. Review status: criteria provided, single submitter. Criteria: Invitae Variant Classification Sherloc (09022015). Collection method: clinical testing. Allele origin: germline.
Comment: For these reasons, this variant has been classified as Pathogenic. This variant has not been reported in the literature in individuals affected with TSC2-related conditions. This variant is not present in population databases (gnomAD no frequency). This sequence change creates a premature translational stop signal (p.Met1236Asnfs*4) in the TSC2 gene. It is expected to result in an absent or disrupted protein product. Loss-of-function variants in TSC2 are known to be pathogenic (PMID: 10205261, 17304050).

Literature cited by the submitters: PubMed 10205261; PubMed 17304050.